The following is an entry in ClinVar:

ClinVar aggregate classification (germline): Likely benign (0 of 4 stars; one submission).

Conditions:
PPIB-related disorder. Also called: PPIB-related condition.

Allele frequency attached by ClinVar (database versions not stated): gnomAD exomes below 0.00001.

Submission:

PreventionGenetics, part of Exact Sciences
Classification: Likely benign for PPIB-related condition. Last evaluated: 2019-04-25. Review status: no assertion criteria provided. Collection method: clinical testing. Allele origin: germline.
Comment: This variant is classified as likely benign based on ACMG/AMP sequence variant interpretation guidelines (Richards et al. 2015 PMID: 25741868, with internal and published modifications).

NM_000942.5(PPIB):c.249+9C>T

Gene: PPIB (peptidylprolyl isomerase B; minus strand). Cytogenetic location: 15q22.31.
Variant type: single nucleotide variant.
Coding change: c.249+9C>T on transcript NM_000942.5 (MANE Select); 9 bases into the intron after coding-DNA position 249, C replaced by T.
Molecular consequence: intron variant.
Genome position (GRCh38, 1-based): chr15:64,162,032, G>A on the plus strand (C>T on the coding strand, the complement: PPIB is on the minus strand). VCF-style: chr15-64162032-G-A. GRCh37 (hg19) VCF-style: chr15-64454231-G-A.
Identifiers: ClinVar variation 3052587 (VCV003052587.2), dbSNP rs867290280, ClinGen allele CA271414939.
Genomic context (GRCh38, chr15:64,162,032, plus strand): 5'-CAGTTTGCTGCCATCCCCAGTGCCAATTTCACTTCATGTGAGTTGACTACCCCTGCTCCA[G>A]CCACTTACCTCTCCTGTAGCTAAGGCCACAAAATTATCCACTGTTTTTGGAACAGTCTTT-3'